The following is an entry in ClinVar:

NM_005236.3(ERCC4):c.2426C>T (p.Thr809Met)

Gene: ERCC4 (ERCC excision repair 4, endonuclease catalytic subunit; plus strand). Cytogenetic location: 16p13.12.
Variant type: single nucleotide variant.
Coding change: c.2426C>T on transcript NM_005236.3 (MANE Select); coding-DNA position 2426, C replaced by T.
Protein change: p.Thr809Met; replaces threonine 809 with methionine.
Molecular consequence: missense variant.
Genome position (GRCh38, 1-based): chr16:13,948,022, C>T. VCF-style: chr16-13948022-C-T. GRCh37 (hg19) VCF-style: chr16-14041879-C-T.
Other names: short protein forms T809M.
Identifiers: ClinVar variation 3752985 (VCV003752985.2).
Genomic context (GRCh38, chr16:13,948,022, plus strand): 5'-CTCTTCTTACACTTCACTTCCCCAGACTACGGATTCTCTGGTGCCCCTCTCCTCATGCAA[C>T]GGCGGAGTTGTTTGAGGAGCTGAAACAAAGCAAGCCACAGCCTGATGCGGCGACAGCACT-3'
Protein context (NP_005227.1, residues 799-819): RILWCPSPHA[Thr809Met]AELFEELKQS

ClinVar aggregate classification (germline): Uncertain significance (1 of 4 stars; one submission).

Conditions:
Xeroderma pigmentosum, group F (XPF). Also called: XERODERMA PIGMENTOSUM, COMPLEMENTATION GROUP F; XERODERMA PIGMENTOSUM VI; XP, GROUP F; ERCC4-Related Xeroderma Pigmentosum; XERODERMA PIGMENTOSUM, TYPE F; Xeroderma pigmentosum, type 6. Identifiers: MedGen C0268140, MONDO:0010215, OMIM 278760.
Fanconi anemia complementation group Q. Identifiers: Orphanet 84, MedGen C3808988, MONDO:0014108, OMIM 615272.
Cockayne syndrome. Identifiers: Orphanet 191, MedGen C0009207, MONDO:0016006.

gnomAD v4.1: 10 of 1,614,038 alleles (0.00062%); highest among the groups gnomAD compares: African/African-American, 0.0027%; no homozygotes.

Submission:

Labcorp Genetics (formerly Invitae), Labcorp
Classification: Uncertain significance for Fanconi anemia complementation group Q; Xeroderma pigmentosum, group F; Cockayne syndrome. Last evaluated: 2024-03-20. Review status: criteria provided, single submitter. Criteria: Invitae Variant Classification Sherloc (09022015). Collection method: clinical testing. Allele origin: germline.
Comment: This sequence change replaces threonine, which is neutral and polar, with methionine, which is neutral and non-polar, at codon 809 of the ERCC4 protein (p.Thr809Met). This variant is present in population databases (rs769080259, gnomAD 0.002%). This variant has not been reported in the literature in individuals affected with ERCC4-related conditions. Advanced modeling of protein sequence and biophysical properties (such as structural, functional, and spatial information, amino acid conservation, physicochemical variation, residue mobility, and thermodynamic stability) performed at Invitae indicates that this missense variant is expected to disrupt ERCC4 protein function with a positive predictive value of 80%. In summary, the available evidence is currently insufficient to determine the role of this variant in disease. Therefore, it has been classified as a Variant of Uncertain Significance.